The following is an entry in ClinVar:

NM_174878.3(CLRN1):c.500A>G (p.Lys167Arg)

Gene: CLRN1 (clarin 1; minus strand). Cytogenetic location: 3q25.1.
Variant type: single nucleotide variant.
Coding change: c.500A>G on transcript NM_174878.3 (MANE Select); coding-DNA position 500, A replaced by G.
Protein change: p.Lys167Arg; replaces lysine 167 with arginine.
Molecular consequence: missense variant. On other transcripts: 3 prime UTR variant (1), non-coding transcript variant (1).
Genome position (GRCh38, 1-based): chr3:150,928,135, T>C on the plus strand (A>G on the coding strand, the complement: CLRN1 is on the minus strand). VCF-style: chr3-150928135-T-C. GRCh37 (hg19) VCF-style: chr3-150645922-T-C.
Other names: c.539A>G, p.Lys180Arg (NM_001195794.1); c.*114A>G (NM_001256819.2); c.272A>G, p.Lys91Arg (NM_052995.2); short protein forms K167R, K180R, K91R.
Identifiers: ClinVar variation 1708692 (VCV001708692.7), dbSNP rs144329618, ClinGen allele CA2666025.

ClinVar aggregate classification (germline): Uncertain significance. Review status: criteria provided, multiple submitters, no conflicts (2 of 4 stars). 4 submissions from 4 submitters: Uncertain significance (4). Last evaluated 2024-09-20.

Conditions:
Inborn genetic diseases. Identifiers: MedGen C0950123, MeSH D030342.

Allele frequency attached by ClinVar (database versions not stated): ExAC 0.00003; gnomAD 0.00005; TOPMed 0.00005; ESP Exome Variant Server 0.00008; gnomAD exomes 0.00013.

Submissions (4):

Blueprint Genetics
Classification: Uncertain significance. Last evaluated: 2024-09-20. Review status: criteria provided, single submitter. Criteria: ACMG Guidelines, 2015. Collection method: clinical testing. Allele origin: germline.

GeneDx
Classification: Uncertain significance. Last evaluated: 2024-05-06. Review status: criteria provided, single submitter. Criteria: GeneDx Variant Classification Process June 2021. Collection method: clinical testing. Allele origin: germline. Affected: yes.
Comment: In silico analysis indicates that this missense variant does not alter protein structure/function; Has not been previously published as pathogenic or benign to our knowledge

Ambry Genetics
Classification: Uncertain significance for Inborn genetic diseases. Last evaluated: 2022-09-27. Review status: criteria provided, single submitter. Criteria: Ambry Variant Classification Scheme 2023. Collection method: clinical testing. Allele origin: germline.

Labcorp Genetics (formerly Invitae), Labcorp
Classification: Uncertain significance. Last evaluated: 2022-07-12. Review status: criteria provided, single submitter. Criteria: Invitae Variant Classification Sherloc (09022015). Collection method: clinical testing. Allele origin: germline.
Comment: This sequence change replaces lysine, which is basic and polar, with arginine, which is basic and polar, at codon 167 of the CLRN1 protein (p.Lys167Arg). This variant is present in population databases (rs144329618, gnomAD 0.009%). This variant has not been reported in the literature in individuals affected with CLRN1-related conditions. Algorithms developed to predict the effect of missense changes on protein structure and function output the following: SIFT: "Tolerated"; PolyPhen-2: "Benign"; Align-GVGD: "Class C0". The arginine amino acid residue is found in multiple mammalian species, which suggests that this missense change does not adversely affect protein function. In summary, the available evidence is currently insufficient to determine the role of this variant in disease. Therefore, it has been classified as a Variant of Uncertain Significance.